The following is an entry in ClinVar:

ClinVar aggregate classification (germline): Pathogenic. Review status: criteria provided, multiple submitters, no conflicts (2 of 4 stars). 4 submissions from 4 submitters: Pathogenic (2). 2 of the submissions do not count toward it. Last evaluated 2024-04-08.

Conditions:
Hereditary cancer-predisposing syndrome. Also called: Neoplastic Syndromes, Hereditary; Hereditary neoplastic syndrome; Tumor predisposition; Hereditary Cancer Syndrome. Identifiers: Orphanet 140162, MedGen C0027672, MeSH D009386, MONDO:0015356.
Cardiovascular phenotype. Identifiers: MedGen CN230736.
Neurofibromatosis, type 1 (NF1). Also called: VON RECKLINGHAUSEN DISEASE; Peripheral type neurofibromatosis; NEUROFIBROMATOSIS, TYPE I, SOMATIC; Neurofibromatosis, type I. Identifiers: Orphanet 636, MedGen C0027831, MONDO:0018975, OMIM 162200. Disease mechanism: loss of function.

Submissions (4):

Labcorp Genetics (formerly Invitae), Labcorp
Classification: Pathogenic for Neurofibromatosis, type 1. Last evaluated: 2024-04-08. Review status: criteria provided, single submitter. Criteria: Invitae Variant Classification Sherloc (09022015). Collection method: clinical testing. Allele origin: germline.
Comment: This sequence change creates a premature translational stop signal (p.Leu273Profs*8) in the NF1 gene. It is expected to result in an absent or disrupted protein product. Loss-of-function variants in NF1 are known to be pathogenic (PMID: 10712197, 23913538). This variant is not present in population databases (gnomAD no frequency). This premature translational stop signal has been observed in individual(s) with clinical features of NF1-related conditions (PMID: 21520333). ClinVar contains an entry for this variant (Variation ID: 1072655). For these reasons, this variant has been classified as Pathogenic.

Ambry Genetics
Classification: Pathogenic for Cardiovascular phenotype; Hereditary cancer-predisposing syndrome. Last evaluated: 2023-12-07. Review status: criteria provided, single submitter. Criteria: Ambry Variant Classification Scheme 2023. Collection method: clinical testing. Allele origin: germline.
Comment: The c.818delT variant, located in coding exon 8 of the NF1 gene, results from a deletion of one nucleotide at nucleotide position 818, causing a translational frameshift with a predicted alternate stop codon (p.L273Pfs*8). This alteration is expected to result in loss of function by premature protein truncation or nonsense-mediated mRNA decay. As such, this alteration is interpreted as a disease-causing mutation.

Clinical Genetics DNA and cytogenetics Diagnostics Lab, Erasmus MC, Erasmus Medical Center
Classification: Pathogenic. Review status: no assertion criteria provided. Collection method: clinical testing. Allele origin: germline. Affected: yes. Study: VKGL Data-share Consensus. Not counted in ClinVar's aggregate classification.

Joint Genome Diagnostic Labs from Nijmegen and Maastricht, Radboudumc and MUMC+
Classification: Pathogenic. Review status: no assertion criteria provided. Collection method: clinical testing. Allele origin: germline. Affected: yes. Study: VKGL Data-share Consensus. Not counted in ClinVar's aggregate classification.

Literature cited by the submitters: PubMed 10712197 (cited by Labcorp Genetics (formerly Invitae), Labcorp); PubMed 23913538 (cited by Labcorp Genetics (formerly Invitae), Labcorp); PubMed 21520333 (cited by Labcorp Genetics (formerly Invitae), Labcorp).

NM_001042492.3(NF1):c.818del (p.Leu273fs)

Gene: NF1 (neurofibromin 1; plus strand). Cytogenetic location: 17q11.2.
Variant type: Deletion.
Coding change: c.818del on transcript NM_001042492.3 (MANE Select); coding-DNA position 818, one base deleted (T; older notation c.818delT).
Protein change: p.Leu273fs; shifts the reading frame from leucine 273.
Molecular consequence: frameshift variant.
Genome position (GRCh38, 1-based): chr17:31,182,595, T deleted. VCF-style (leftmost placement, unchanged base first): chr17-31182594-CT-C. GRCh37 (hg19) VCF-style: chr17-29509612-CT-C.
Other names: c.818delT, p.Leu273Profs (NM_000267.4); c.818del, p.Leu273fs (NM_001128147.3); c.818delT (NM_000267.3); short protein forms L273fs.
Identifiers: ClinVar variation 1072655 (VCV001072655.9), dbSNP rs2143786053, ClinGen allele CA2499223991.